The following is an entry in ClinVar:

NM_007294.4(BRCA1):c.1469C>T (p.Pro490Leu)

Gene: BRCA1 (BRCA1 DNA repair associated; minus strand). Cytogenetic location: 17q21.31.
Variant type: single nucleotide variant.
Coding change: c.1469C>T on transcript NM_007294.4 (MANE Select); coding-DNA position 1469, C replaced by T.
Protein change: p.Pro490Leu; replaces proline 490 with leucine.
Molecular consequence: missense variant. On other transcripts: intron variant (137).
Genome position (GRCh38, 1-based): chr17:43,094,062, G>A on the plus strand (C>T on the coding strand, the complement: BRCA1 is on the minus strand). VCF-style: chr17-43094062-G-A. GRCh37 (hg19) VCF-style: chr17-41246079-G-A.
Other names: c.1469C>T, p.Pro490Leu (NM_001407598.1, NM_001407602.1, NM_001407603.1 and 30 more transcripts); c.1466C>T, p.Pro489Leu (NM_001407610.1, NM_001407611.1, NM_001407612.1 and 22 more transcripts); c.1460C>T, p.Pro487Leu (NM_001407646.1, NM_001407647.1); c.1346C>T, p.Pro449Leu (NM_001407648.1, NM_001407664.1, NM_001407665.1 and 19 more transcripts); c.1343C>T, p.Pro448Leu (NM_001407649.1, NM_001407670.1, NM_001407671.1 and 11 more transcripts); c.1391C>T, p.Pro464Leu (NM_001407653.1, NM_001407654.1, NM_001407655.1 and 4 more transcripts); c.1388C>T, p.Pro463Leu (NM_001407659.1, NM_001407660.1, NM_001407661.1 and 1 more transcripts); c.1328C>T, p.Pro443Leu (NM_001407692.1, NM_001407694.1, NM_001407695.1 and 29 more transcripts); and 40 more; short protein forms P490L, P443L, P419L, P442L, P489L, P422L, P423L, P448L.
Identifiers: ClinVar variation 229946 (VCV000229946.14), dbSNP rs876658291, ClinGen allele CA10580665.

ClinVar aggregate classification (germline): Conflicting classifications of pathogenicity. Review status: criteria provided, conflicting classifications (1 of 4 stars). 3 submissions from 3 submitters: Uncertain significance (2); Likely benign (1). Last evaluated 2025-06-06.

Conditions:
Hereditary cancer-predisposing syndrome. Also called: Hereditary neoplastic syndrome; Hereditary Cancer Syndrome; Neoplastic Syndromes, Hereditary; Tumor predisposition. Identifiers: Orphanet 140162, MedGen C0027672, MeSH D009386, MONDO:0015356.
Hereditary breast ovarian cancer syndrome. Also called: Hereditary breast and ovarian cancer syndrome; Hereditary breast and ovarian cancer syndrome (HBOC); Breast and ovarian cancer; Hereditary breast and/or ovarian cancer syndrome; Hereditary breast and ovarian cancer; BRCA1- and BRCA2-Associated Hereditary Breast and Ovarian Cancer. Identifiers: Orphanet 145, MedGen C0677776, MeSH D061325, MONDO:0003582. Disease mechanism: loss of function.

Submissions (3):

Labcorp Genetics (formerly Invitae), Labcorp
Classification: Uncertain significance for Hereditary breast ovarian cancer syndrome. Last evaluated: 2025-06-06. Review status: criteria provided, single submitter. Criteria: Invitae Variant Classification Sherloc (09022015). Collection method: clinical testing. Allele origin: germline.
Comment: This sequence change replaces proline, which is neutral and non-polar, with leucine, which is neutral and non-polar, at codon 490 of the BRCA1 protein (p.Pro490Leu). This variant is not present in population databases (gnomAD no frequency). This variant has not been reported in the literature in individuals affected with BRCA1-related conditions. ClinVar contains an entry for this variant (Variation ID: 229946). Invitae Evidence Modeling of protein sequence and biophysical properties (such as structural, functional, and spatial information, amino acid conservation, physicochemical variation, residue mobility, and thermodynamic stability) has been performed for this missense variant. However, the output from this modeling did not meet the statistical confidence thresholds required to predict the impact of this variant on BRCA1 protein function. In summary, the available evidence is currently insufficient to determine the role of this variant in disease. Therefore, it has been classified as a Variant of Uncertain Significance.

Ambry Genetics
Classification: Uncertain significance for Hereditary cancer-predisposing syndrome. Last evaluated: 2025-05-07. Review status: criteria provided, single submitter. Criteria: Ambry Variant Classification Scheme 2023. Collection method: clinical testing. Allele origin: germline.
Comment: The p.P490L variant (also known as c.1469C>T), located in coding exon 9 of the BRCA1 gene, results from a C to T substitution at nucleotide position 1469. The proline at codon 490 is replaced by leucine, an amino acid with similar properties. This amino acid position is not well conserved in available vertebrate species. In addition, the in silico prediction for this alteration is inconclusive. Based on the available evidence, the clinical significance of this variant remains unclear.

University of Washington Department of Laboratory Medicine, University of Washington
Classification: Likely benign for Hereditary cancer-predisposing syndrome. Last evaluated: 2023-03-23. Review status: criteria provided, single submitter. Criteria: Dines et al. (Genet Med. 2020). Collection method: curation. Allele origin: germline.
Comment: Missense variant in a coldspot region where missense variants are very unlikely to be pathogenic (PMID:31911673).

BRCA1 coldspot (exon 11 using historical exon numbering). Reclassification based on statistical prior probability